The following is an entry in ClinVar:

ClinVar aggregate classification (germline): Pathogenic/Likely pathogenic. Review status: criteria provided, multiple submitters, no conflicts (2 of 4 stars). 2 submissions from 2 submitters: Pathogenic (1); Likely pathogenic (1). Last evaluated 2022-02-24.

Conditions:
Pulmonary hypertension, primary, 1 (PPH1). Also called: Pulmonary hypertension, familial primary, 1, with or without HHT. Identifiers: Orphanet 422, MedGen C4552070, MONDO:0024533, OMIM 178600.

Submissions (2):

Labcorp Genetics (formerly Invitae), Labcorp
Classification: Pathogenic. Last evaluated: 2022-02-24. Review status: criteria provided, single submitter. Criteria: Invitae Variant Classification Sherloc (09022015). Collection method: clinical testing. Allele origin: germline.
Comment: For these reasons, this variant has been classified as Pathogenic. This premature translational stop signal has been observed in individual(s) with pulmonary arterial hypertension (PMID: 31727138). This variant is not present in population databases (gnomAD no frequency). This sequence change creates a premature translational stop signal (p.Leu71Alafs*3) in the TBX4 gene. It is expected to result in an absent or disrupted protein product. Loss-of-function variants in TBX4 are known to be pathogenic (PMID: 15106123, 31151956, 31761294, 31965066, 32079640).

Wendy Chung Laboratory, Boston Children's Hospital
Classification: Likely pathogenic for Pulmonary hypertension, primary, 1. Last evaluated: 2019-11-01. Review status: criteria provided, single submitter. Criteria: ACMG Guidelines, 2015. Collection method: research. Allele origin: unknown. Inheritance: Autosomal dominant inheritance. Affected: yes.

Literature cited by the submitters: PubMed 31727138 (cited by Labcorp Genetics (formerly Invitae), Labcorp and Wendy Chung Laboratory, Boston Children's Hospital); PubMed 15106123 (cited by Labcorp Genetics (formerly Invitae), Labcorp); PubMed 31151956 (cited by Labcorp Genetics (formerly Invitae), Labcorp); PubMed 31761294 (cited by Labcorp Genetics (formerly Invitae), Labcorp); PubMed 31965066 (cited by Labcorp Genetics (formerly Invitae), Labcorp); PubMed 32079640 (cited by Labcorp Genetics (formerly Invitae), Labcorp).

NM_001321120.2(TBX4):c.210dup (p.Leu71fs)

Gene: TBX4 (T-box transcription factor 4; plus strand). Cytogenetic location: 17q23.2.
Variant type: Duplication.
Coding change: c.210dup on transcript NM_001321120.2 (MANE Select); coding-DNA position 210, one base duplicated (G; older notation c.210dupG).
Protein change: p.Leu71fs; shifts the reading frame from leucine 71.
Molecular consequence: frameshift variant.
Genome position (GRCh38, 1-based): chr17:61,457,560, G duplicated; the last of 4 consecutive G bases (chr17:61,457,557-61,457,560); duplicating any one gives the same sequence. VCF-style (leftmost placement, unchanged base first): chr17-61457556-T-TG. GRCh37 (hg19) VCF-style: chr17-59534917-T-TG.
Other names: c.210dup, p.Leu71fs (NM_018488.3); short protein forms L71fs.
Identifiers: ClinVar variation 1341441 (VCV001341441.8), dbSNP rs2143795994, ClinGen allele CA2573054521.